The following is an entry in ClinVar:

NM_032043.3(BRIP1):c.2782C>A (p.His928Asn)

Gene: BRIP1 (BRCA1 interacting DNA helicase 1; minus strand). Cytogenetic location: 17q23.2.
Variant type: single nucleotide variant.
Coding change: c.2782C>A on transcript NM_032043.3 (MANE Select); coding-DNA position 2782, C replaced by A.
Protein change: p.His928Asn; replaces histidine 928 with asparagine.
Molecular consequence: missense variant.
Genome position (GRCh38, 1-based): chr17:61,685,959, G>T on the plus strand (C>A on the coding strand, the complement: BRIP1 is on the minus strand). VCF-style: chr17-61685959-G-T. GRCh37 (hg19) VCF-style: chr17-59763320-G-T.
Other names: short protein forms H928N.
Identifiers: ClinVar variation 1795948 (VCV001795948.2), dbSNP rs2144111531, ClinGen allele CA400481544.

ClinVar aggregate classification (germline): Uncertain significance (1 of 4 stars; one submission).

Conditions:
Hereditary cancer-predisposing syndrome. Also called: Tumor predisposition; Hereditary Cancer Syndrome; Neoplastic Syndromes, Hereditary; Hereditary neoplastic syndrome. Identifiers: Orphanet 140162, MedGen C0027672, MeSH D009386, MONDO:0015356.

Submission:

Ambry Genetics
Classification: Uncertain significance for Hereditary cancer-predisposing syndrome. Last evaluated: 2022-04-02. Review status: criteria provided, single submitter. Criteria: Ambry Variant Classification Scheme 2023. Collection method: clinical testing. Allele origin: germline.
Comment: The p.H928N variant (also known as c.2782C>A), located in coding exon 18 of the BRIP1 gene, results from a C to A substitution at nucleotide position 2782. The histidine at codon 928 is replaced by asparagine, an amino acid with similar properties. This amino acid position is conserved. In addition, this alteration is predicted to be tolerated by in silico analysis. Since supporting evidence is limited at this time, the clinical significance of this alteration remains unclear.